The following is an entry in ClinVar:

ClinVar aggregate classification (germline): Uncertain significance (1 of 4 stars; one submission).

Conditions:
Long QT syndrome (LQTS). Identifiers: MedGen C0023976, MeSH D008133, MONDO:0002442. Disease mechanism: loss of function. Inheritance: Various modes of inheritance.

Submission:

Labcorp Genetics (formerly Invitae), Labcorp
Classification: Uncertain significance for Long QT syndrome. Last evaluated: 2022-08-18. Review status: criteria provided, single submitter. Criteria: Invitae Variant Classification Sherloc (09022015). Collection method: clinical testing. Allele origin: germline.
Comment: This sequence change replaces leucine, which is neutral and non-polar, with serine, which is neutral and polar, at codon 1930 of the CACNA1C protein (p.Leu1930Ser). This variant is not present in population databases (gnomAD no frequency). This variant has not been reported in the literature in individuals affected with CACNA1C-related conditions. Algorithms developed to predict the effect of missense changes on protein structure and function are either unavailable or do not agree on the potential impact of this missense change (SIFT: "Deleterious"; PolyPhen-2: "Probably Damaging"; Align-GVGD: "Class C0"). In summary, the available evidence is currently insufficient to determine the role of this variant in disease. Therefore, it has been classified as a Variant of Uncertain Significance.

NM_000719.7(CACNA1C):c.5789T>C (p.Leu1930Ser)

Genes: CACNA1C (calcium voltage-gated channel subunit alpha1 C; plus strand), CACNA1C-AS1 (CACNA1C antisense RNA 1; minus strand). Cytogenetic location: 12p13.33.
Variant type: single nucleotide variant.
Coding change: c.5789T>C on transcript NM_000719.7 (MANE Select); coding-DNA position 5789, T replaced by C.
Protein change: p.Leu1930Ser; replaces leucine 1930 with serine.
Molecular consequence: missense variant.
Genome position (GRCh38, 1-based): chr12:2,688,451, T>C. VCF-style: chr12-2688451-T-C. GRCh37 (hg19) VCF-style: chr12-2797617-T-C.
Other names: c.5933T>C, p.Leu1978Ser (NM_001129827.2); c.5912T>C, p.Leu1971Ser (NM_001129829.2); c.5894T>C, p.Leu1965Ser (NM_001129830.3, NM_001167624.3); c.5873T>C, p.Leu1958Ser (NM_001129831.2); c.5849T>C, p.Leu1950Ser (NM_001129832.2); c.5846T>C, p.Leu1949Ser (NM_001129833.2, NM_001129834.2, NM_001129835.2); c.5840T>C, p.Leu1947Ser (NM_001129836.2); c.5813T>C, p.Leu1938Ser (NM_001129837.2, NM_001129838.2); and 6 more; short protein forms L1936S, L1938S, L2013S, L1927S, L1990S, L1919S, L1949S, L1978S.
Identifiers: ClinVar variation 1969600 (VCV001969600.5), dbSNP rs1556305742, ClinGen allele CA383383758.